The following is an entry in ClinVar:

ClinVar aggregate classification (germline): Likely benign. Review status: criteria provided, single submitter (1 of 4 stars). 2 submissions from 2 submitters: Likely benign (1). 1 of the submissions does not count toward it. Last evaluated 2019-12-31.

Conditions:
DAO-related disorder. Also called: DAO-related condition.

Allele frequency attached by ClinVar (database versions not stated): gnomAD exomes 0.00023 and 0.00065; ExAC 0.00078; gnomAD 0.00226 and 0.00234; ESP Exome Variant Server 0.00238; 1000 Genomes Project 30x 0.00250; TOPMed 0.00260; 1000 Genomes Project 0.00300.
gnomAD v4.1: 686 of 1,613,700 alleles (0.043%); highest among the groups gnomAD compares: African/African-American, 0.8%; 6 homozygotes.

Submissions (2):

Labcorp Genetics (formerly Invitae), Labcorp
Classification: Likely benign. Last evaluated: 2019-12-31. Review status: criteria provided, single submitter. Criteria: Invitae Variant Classification Sherloc (09022015). Collection method: clinical testing. Allele origin: germline.

PreventionGenetics, part of Exact Sciences
Classification: Benign for DAO-related condition. Last evaluated: 2020-02-11. Review status: no assertion criteria provided. Collection method: clinical testing. Allele origin: germline. Not counted in ClinVar's aggregate classification.
Comment: This variant is classified as benign based on ACMG/AMP sequence variant interpretation guidelines (Richards et al. 2015 PMID: 25741868, with internal and published modifications).

NM_001917.5(DAO):c.430T>C (p.Tyr144His)

Gene: DAO (D-amino acid oxidase; plus strand). Cytogenetic location: 12q24.11.
Variant type: single nucleotide variant.
Coding change: c.430T>C on transcript NM_001917.5 (MANE Select); coding-DNA position 430, T replaced by C.
Protein change: p.Tyr144His; replaces tyrosine 144 with histidine.
Molecular consequence: missense variant.
Genome position (GRCh38, 1-based): chr12:108,890,251, T>C. VCF-style: chr12-108890251-T-C. GRCh37 (hg19) VCF-style: chr12-109284027-T-C.
Other names: short protein forms Y144H.
Identifiers: ClinVar variation 734182 (VCV000734182.6), dbSNP rs35388422, ClinGen allele CA6771085.